The following is an entry in ClinVar:

NM_006005.3(WFS1):c.1109C>T (p.Ala370Val)

Gene: WFS1 (wolframin ER transmembrane glycoprotein; plus strand). Cytogenetic location: 4p16.1.
Variant type: single nucleotide variant.
Coding change: c.1109C>T on transcript NM_006005.3 (MANE Select); coding-DNA position 1109, C replaced by T.
Protein change: p.Ala370Val; replaces alanine 370 with valine.
Molecular consequence: missense variant.
Genome position (GRCh38, 1-based): chr4:6,300,904, C>T. VCF-style: chr4-6300904-C-T. GRCh37 (hg19) VCF-style: chr4-6302631-C-T.
Other names: c.1109C>T, p.Ala370Val (NM_001145853.1); short protein forms A370V.
Identifiers: ClinVar variation 1065598 (VCV001065598.1), dbSNP rs1377309089, ClinGen allele CA356174273.

ClinVar aggregate classification (germline): Uncertain significance (0 of 4 stars; one submission).

Conditions:
Developmental cataract. Also called: Congenital cataracts; Bilateral cataracts; Congenital cataract. Identifiers: MedGen C0009691, HP:0000519.

Submission:

Dept. Genetics and Cancer, Menzies Institute for Medical Research, University of Tasmania
Classification: Uncertain significance for Developmental cataract. Last evaluated: 2021-05-01. Review status: no assertion criteria provided. Criteria: ACMG Guidelines, 2015. Collection method: research. Allele origin: germline. Affected: yes.
Comment: PM2, PP3. Absent/near absent from population databases and multiple predictive tools assessing variant as damaging/pathogenic. BS4. Lack of segregation in an affected member of the family.